The following is an entry in ClinVar:

NM_016562.4(TLR7):c.2452G>A (p.Gly818Arg)

Gene: TLR7 (toll like receptor 7; plus strand). Cytogenetic location: Xp22.2.
Variant type: single nucleotide variant.
Coding change: c.2452G>A on transcript NM_016562.4 (MANE Select); coding-DNA position 2452, G replaced by A.
Protein change: p.Gly818Arg; replaces glycine 818 with arginine.
Molecular consequence: missense variant.
Genome position (GRCh38, 1-based): chrX:12,887,960, G>A. VCF-style: chrX-12887960-G-A. GRCh37 (hg19) VCF-style: chrX-12906079-G-A.
Other names: short protein forms G818R.
Identifiers: ClinVar variation 2015768 (VCV002015768.4), dbSNP rs2518439142, ClinGen allele CA412410586.

ClinVar aggregate classification (germline): Uncertain significance (1 of 4 stars; one submission).

Submission:

Labcorp Genetics (formerly Invitae), Labcorp
Classification: Uncertain significance. Last evaluated: 2022-07-10. Review status: criteria provided, single submitter. Criteria: Invitae Variant Classification Sherloc (09022015). Collection method: clinical testing. Allele origin: germline.
Comment: In summary, the available evidence is currently insufficient to determine the role of this variant in disease. Therefore, it has been classified as a Variant of Uncertain Significance. Algorithms developed to predict the effect of missense changes on protein structure and function are either unavailable or do not agree on the potential impact of this missense change (SIFT: "Deleterious"; PolyPhen-2: "Probably Damaging"; Align-GVGD: "Class C0"). This variant has not been reported in the literature in individuals affected with TLR7-related conditions. This variant is not present in population databases (gnomAD no frequency). This sequence change replaces glycine, which is neutral and non-polar, with arginine, which is basic and polar, at codon 818 of the TLR7 protein (p.Gly818Arg).